The following is an entry in ClinVar:

ClinVar aggregate classification (germline): Likely benign. Review status: criteria provided, multiple submitters, no conflicts (2 of 4 stars). 2 submissions from 2 submitters: Likely benign (2). Last evaluated 2025-09-10.

Conditions:
POLD1-related polyposis and colorectal cancer syndrome (CRCS10). Also called: Colorectal cancer 10; COLORECTAL CANCER, SUSCEPTIBILITY TO, ON CHROMOSOME 19q; Colorectal cancer, susceptibility to, 10. Identifiers: Orphanet 220460, MedGen C2675481, MONDO:0012953, OMIM 612591.

Allele frequency attached by ClinVar (database versions not stated): TOPMed below 0.00001.
gnomAD v4.1: 2 of 1,550,586 alleles (0.00013%); highest among the groups gnomAD compares: African/African-American, 0.0027%; no homozygotes.

Submissions (2):

Labcorp Genetics (formerly Invitae), Labcorp
Classification: Likely benign for POLD1-related polyposis and colorectal cancer syndrome. Last evaluated: 2025-09-10. Review status: criteria provided, single submitter. Criteria: Invitae Variant Classification Sherloc (09022015). Collection method: clinical testing. Allele origin: germline.

Women's Health and Genetics/Laboratory Corporation of America, LabCorp
Classification: Likely benign. Last evaluated: 2023-11-03. Review status: criteria provided, single submitter. Criteria: LabCorp Variant Classification Summary - May 2015. Collection method: clinical testing. Allele origin: germline.
Comment: Variant summary: POLD1 c.2954-19C>T alters a non-conserved nucleotide located at a position not widely known to affect splicing. Consensus agreement among computation tools predict no significant impact on normal splicing. However, these predictions have yet to be confirmed by functional studies. The variant was absent in 153528 control chromosomes (gnomAD). The available data on variant occurrences in the general population are insufficient to allow any conclusion about variant significance. To our knowledge, no occurrence of c.2954-19C>T in individuals affected with Mandibular Hypoplasia, Deafness, Progeroid Features, And Lipodystrophy Syndrome or other POLD1-related disorders and no experimental evidence demonstrating its impact on protein function have been reported. One submitter has cited a clinical-significance assessment for this variant to ClinVar after 2014 and has classified the variant as likely benign. Based on the evidence outlined above, the variant was classified as likely benign.

NM_002691.4(POLD1):c.2954-19C>T

Gene: POLD1 (DNA polymerase delta 1, catalytic subunit; plus strand). Cytogenetic location: 19q13.33.
Variant type: single nucleotide variant.
Coding change: c.2954-19C>T on transcript NM_002691.4 (MANE Select); 19 bases into the intron before coding-DNA position 2954, C replaced by T.
Molecular consequence: intron variant.
Genome position (GRCh38, 1-based): chr19:50,416,591, C>T. VCF-style: chr19-50416591-C-T. GRCh37 (hg19) VCF-style: chr19-50919848-C-T.
Other names: c.2954-19C>T (NM_001256849.1); c.3032-19C>T (NM_001308632.1).
Identifiers: ClinVar variation 1555669 (VCV001555669.9), dbSNP rs1469439009, ClinGen allele CA633897460.